The following is an entry in ClinVar:

ClinVar aggregate classification (germline): Uncertain significance (1 of 4 stars; one submission).

gnomAD v4.1: 5 of 1,560,094 alleles (0.00032%); highest among the groups gnomAD compares: Admixed American, 0.0017%; no homozygotes.

Submission:

Labcorp Genetics (formerly Invitae), Labcorp
Classification: Uncertain significance. Last evaluated: 2025-07-30. Review status: criteria provided, single submitter. Criteria: Invitae Variant Classification Sherloc (09022015). Collection method: clinical testing. Allele origin: germline.
Comment: This sequence change replaces leucine, which is neutral and non-polar, with proline, which is neutral and non-polar, at codon 387 of the TFRC protein (p.Leu387Pro). This variant is present in population databases (rs770886917, gnomAD 0.002%). This variant has not been reported in the literature in individuals affected with TFRC-related conditions. Invitae Evidence Modeling of protein sequence and biophysical properties (such as structural, functional, and spatial information, amino acid conservation, physicochemical variation, residue mobility, and thermodynamic stability) indicates that this missense variant is not expected to disrupt TFRC protein function with a negative predictive value of 80%. In summary, the available evidence is currently insufficient to determine the role of this variant in disease. Therefore, it has been classified as a Variant of Uncertain Significance.

NM_001128148.3(TFRC):c.1160T>C (p.Leu387Pro)

Gene: TFRC (transferrin receptor; minus strand). Cytogenetic location: 3q29.
Variant type: single nucleotide variant.
Coding change: c.1160T>C on transcript NM_001128148.3 (MANE Select); coding-DNA position 1160, T replaced by C.
Protein change: p.Leu387Pro; replaces leucine 387 with proline.
Molecular consequence: missense variant.
Genome position (GRCh38, 1-based): chr3:196,065,481, A>G on the plus strand (T>C on the coding strand, the complement: TFRC is on the minus strand). VCF-style: chr3-196065481-A-G. GRCh37 (hg19) VCF-style: chr3-195792352-A-G.
Other names: c.917T>C, p.Leu306Pro (NM_001313965.2); c.314T>C, p.Leu105Pro (NM_001313966.2); c.1160T>C, p.Leu387Pro (NM_003234.4); short protein forms L387P, L306P, L105P.
Identifiers: ClinVar variation 4750756 (VCV004750756.1).